The following is an entry in ClinVar:

NM_183050.4(BCKDHB):c.841-1G>C

Gene: BCKDHB (branched chain keto acid dehydrogenase E1 subunit beta; plus strand). Cytogenetic location: 6q14.1.
Variant type: single nucleotide variant.
Coding change: c.841-1G>C on transcript NM_183050.4 (MANE Select); the canonical splice acceptor site of the intron before coding-DNA position 841, G replaced by C.
Molecular consequence: splice acceptor variant.
Genome position (GRCh38, 1-based): chr6:80,203,101, G>C. VCF-style: chr6-80203101-G-C. GRCh37 (hg19) VCF-style: chr6-80912818-G-C.
Other names: c.631-1G>C (NM_001318975.1); c.841-1G>C (NM_000056.5).
Identifiers: ClinVar variation 551468 (VCV000551468.10), dbSNP rs962489830, ClinGen allele CA142287792.
Genomic context (GRCh38, chr6:80,203,101, plus strand): 5'-ACTAGTTTTTGAGGCTAGAACCTTTGTAGTCATTCTCTGCATATTTTTCTCTTTATTTCA[G>C]GTTCATGTGATCCGAGAGGTAGCTTCCATGGCAAAAGAAAAGCTTGGAGTGTCTTGTGAA-3'

ClinVar aggregate classification (germline): Likely pathogenic. Review status: criteria provided, multiple submitters, no conflicts (2 of 4 stars). 3 submissions from 3 submitters: Likely pathogenic (2). 1 of the submissions does not count toward it. Last evaluated 2024-06-18.

Conditions:
Maple syrup urine disease type 1A (MSUD1A). Also called: MSUD type 1A. Identifiers: MedGen C1855369, MONDO:0023691, OMIM 248600.
Maple syrup urine disease (MSUD). Identifiers: Orphanet 511, MedGen C0024776, MeSH D008375, MONDO:0009563. Disease mechanism: loss of function.
Maple syrup urine disease type 1B (MSUD1B). Also called: MSUD type IB; MSUD type 3 (formerly); MSUD due to deficiency of e1-beta subunit of branched-chain alpha-keto acid dehydrogenase complex. Identifiers: MedGen C2930990, MONDO:0023692, OMIM 620698.

Allele frequency attached by ClinVar (database versions not stated): gnomAD exomes below 0.00001; TOPMed below 0.00001; gnomAD 0.00001.
gnomAD v4.1: 3 of 1,606,854 alleles (0.00019%); highest among the groups gnomAD compares: Non-Finnish European, 0.00026%; no homozygotes.

Submissions (3):

Fulgent Genetics
Classification: Likely pathogenic for Maple syrup urine disease type 1B. Last evaluated: 2024-06-18. Review status: criteria provided, single submitter. Criteria: ACMG Guidelines, 2015. Collection method: clinical testing. Allele origin: germline.

Labcorp Genetics (formerly Invitae), Labcorp
Classification: Likely pathogenic for Maple syrup urine disease. Last evaluated: 2022-08-05. Review status: criteria provided, single submitter. Criteria: Invitae Variant Classification Sherloc (09022015). Collection method: clinical testing. Allele origin: germline.
Comment: Algorithms developed to predict the effect of sequence changes on RNA splicing suggest that this variant may disrupt the consensus splice site. ClinVar contains an entry for this variant (Variation ID: 551468). In summary, the currently available evidence indicates that the variant is pathogenic, but additional data are needed to prove that conclusively. Therefore, this variant has been classified as Likely Pathogenic. This variant has not been reported in the literature in individuals affected with BCKDHB-related conditions. This variant is not present in population databases (gnomAD no frequency). This sequence change affects an acceptor splice site in intron 7 of the BCKDHB gene. It is expected to disrupt RNA splicing. Variants that disrupt the donor or acceptor splice site typically lead to a loss of protein function (PMID: 16199547), and loss-of-function variants in BCKDHB are known to be pathogenic (PMID: 16786533, 22593002).

Counsyl
Classification: Likely pathogenic for Maple syrup urine disease type 1A. Last evaluated: 2017-04-11. Review status: no assertion criteria provided. Collection method: clinical testing. Allele origin: unknown. Not counted in ClinVar's aggregate classification.

Literature cited by the submitters: PubMed 16199547 (cited by Labcorp Genetics (formerly Invitae), Labcorp); PubMed 16786533 (cited by Labcorp Genetics (formerly Invitae), Labcorp); PubMed 22593002 (cited by Labcorp Genetics (formerly Invitae), Labcorp).